The following is an entry in ClinVar:

NM_152383.5(DIS3L2):c.988G>C (p.Glu330Gln)

Gene: DIS3L2 (DIS3 like 3'-5' exoribonuclease 2; plus strand). Cytogenetic location: 2q37.1.
Variant type: single nucleotide variant.
Coding change: c.988G>C on transcript NM_152383.5 (MANE Select); coding-DNA position 988, G replaced by C.
Protein change: p.Glu330Gln; replaces glutamic acid 330 with glutamine.
Molecular consequence: missense variant. On other transcripts: non-coding transcript variant (2).
Genome position (GRCh38, 1-based): chr2:232,163,496, G>C. VCF-style: chr2-232163496-G-C. GRCh37 (hg19) VCF-style: chr2-233028206-G-C.
Other names: c.988G>C, p.Glu330Gln (NM_001257281.2); short protein forms E330Q.
Identifiers: ClinVar variation 2714047 (VCV002714047.3), dbSNP rs2469895494, ClinGen allele CA351154235.

ClinVar aggregate classification (germline): Uncertain significance (1 of 4 stars; one submission).

Conditions:
Perlman syndrome (PRLMNS). Identifiers: Orphanet 2849, MedGen C0796113, MONDO:0009965, OMIM 267000.

Submission:

Labcorp Genetics (formerly Invitae), Labcorp
Classification: Uncertain significance for Perlman syndrome. Last evaluated: 2023-04-26. Review status: criteria provided, single submitter. Criteria: Invitae Variant Classification Sherloc (09022015). Collection method: clinical testing. Allele origin: germline.
Comment: This variant is not present in population databases (gnomAD no frequency). This sequence change replaces glutamic acid, which is acidic and polar, with glutamine, which is neutral and polar, at codon 330 of the DIS3L2 protein (p.Glu330Gln). This variant has not been reported in the literature in individuals affected with DIS3L2-related conditions. Advanced modeling of protein sequence and biophysical properties (such as structural, functional, and spatial information, amino acid conservation, physicochemical variation, residue mobility, and thermodynamic stability) performed at Invitae indicates that this missense variant is not expected to disrupt DIS3L2 protein function. In summary, the available evidence is currently insufficient to determine the role of this variant in disease. Therefore, it has been classified as a Variant of Uncertain Significance.